The following is an entry in ClinVar:

NM_004260.4(RECQL4):c.1772C>A (p.Pro591His)

Gene: RECQL4 (RecQ like helicase 4; minus strand). Cytogenetic location: 8q24.3.
Variant type: single nucleotide variant.
Coding change: c.1772C>A on transcript NM_004260.4 (MANE Select); coding-DNA position 1772, C replaced by A.
Protein change: p.Pro591His; replaces proline 591 with histidine.
Molecular consequence: missense variant.
Genome position (GRCh38, 1-based): chr8:144,514,295, G>T on the plus strand (C>A on the coding strand, the complement: RECQL4 is on the minus strand). VCF-style: chr8-144514295-G-T. GRCh37 (hg19) VCF-style: chr8-145739679-G-T.
Other names: short protein forms P591H.
Identifiers: ClinVar variation 1057150 (VCV001057150.3), dbSNP rs2721191, ClinGen allele CA372681002.
Genomic context (GRCh38, chr8:144,514,295, plus strand): 5'-GAGAGGCAGTGGGCCTCATCAATGCAGGCAAAAGCAACTGGAGGCAGCTGTGCGGCTGGA[G>T]GGAGGCCTCCCGCCCCCACCAGTGCCTCAGGTGTCAGCATCAGCACGTGTACCTGGGCTG-3'
Protein context (NP_004251.4, residues 581-601): PEALVGAGGL[Pro591His]PAAQLPPVAF

ClinVar aggregate classification (germline): Uncertain significance (1 of 4 stars; one submission).

Conditions:
Baller-Gerold syndrome (BGS). Also called: CRANIOSYNOSTOSIS WITH RADIAL DEFECTS. Identifiers: Orphanet 1225, MedGen C0265308, MONDO:0009039, OMIM 218600.

Submission:

Labcorp Genetics (formerly Invitae), Labcorp
Classification: Uncertain significance for Baller-Gerold syndrome. Last evaluated: 2023-09-13. Review status: criteria provided, single submitter. Criteria: Invitae Variant Classification Sherloc (09022015). Collection method: clinical testing. Allele origin: germline.
Comment: This variant has not been reported in the literature in individuals affected with RECQL4-related conditions. In summary, the available evidence is currently insufficient to determine the role of this variant in disease. Therefore, it has been classified as a Variant of Uncertain Significance. Advanced modeling of protein sequence and biophysical properties (such as structural, functional, and spatial information, amino acid conservation, physicochemical variation, residue mobility, and thermodynamic stability) performed at Invitae indicates that this missense variant is not expected to disrupt RECQL4 protein function. ClinVar contains an entry for this variant (Variation ID: 1057150). This variant is not present in population databases (gnomAD no frequency). This sequence change replaces proline, which is neutral and non-polar, with histidine, which is basic and polar, at codon 591 of the RECQL4 protein (p.Pro591His).